The following is an entry in ClinVar:

NM_001040108.2(MLH3):c.1162A>G (p.Ser388Gly)

Gene: MLH3 (mutL homolog 3; minus strand). Cytogenetic location: 14q24.3.
Variant type: single nucleotide variant.
Coding change: c.1162A>G on transcript NM_001040108.2 (MANE Select); coding-DNA position 1162, A replaced by G.
Protein change: p.Ser388Gly; replaces serine 388 with glycine.
Molecular consequence: missense variant.
Genome position (GRCh38, 1-based): chr14:75,048,494, T>C on the plus strand (A>G on the coding strand, the complement: MLH3 is on the minus strand). VCF-style: chr14-75048494-T-C. GRCh37 (hg19) VCF-style: chr14-75515197-T-C.
Other names: c.1162A>G, p.Ser388Gly (NM_014381.3); short protein forms S388G.
Identifiers: ClinVar variation 957325 (VCV000957325.9), dbSNP rs1892425627, ClinGen allele CA390447198.
Genomic context (GRCh38, chr14:75,048,494, plus strand): 5'-ACTGCAAATTAAACATCTCATAGGAATCTAAAATATTATTACATGCTTCCTGGAAATTGC[T>C]CCTCTCATCGGAAGTCACACGCTTCTGAAGAGTAGCATCAAATAAACTAAAACCATTATC-3'
Protein context (NP_001035197.1, residues 378-398): LQKRVTSDER[Ser388Gly]NFQEACNNIL

ClinVar aggregate classification (germline): Uncertain significance (1 of 4 stars; one submission).

Conditions:
Colorectal cancer, hereditary nonpolyposis, type 7. Identifiers: Orphanet 144, MedGen C1858380, MONDO:0013725, OMIM 614385.

Submission:

Labcorp Genetics (formerly Invitae), Labcorp
Classification: Uncertain significance for Colorectal cancer, hereditary nonpolyposis, type 7. Last evaluated: 2022-10-13. Review status: criteria provided, single submitter. Criteria: Invitae Variant Classification Sherloc (09022015). Collection method: clinical testing. Allele origin: germline.
Comment: Algorithms developed to predict the effect of missense changes on protein structure and function output the following: SIFT: "Tolerated"; PolyPhen-2: "Benign"; Align-GVGD: "Class C0". The glycine amino acid residue is found in multiple mammalian species, which suggests that this missense change does not adversely affect protein function. In summary, the available evidence is currently insufficient to determine the role of this variant in disease. Therefore, it has been classified as a Variant of Uncertain Significance. ClinVar contains an entry for this variant (Variation ID: 957325). This variant has not been reported in the literature in individuals affected with MLH3-related conditions. This variant is not present in population databases (gnomAD no frequency). This sequence change replaces serine, which is neutral and polar, with glycine, which is neutral and non-polar, at codon 388 of the MLH3 protein (p.Ser388Gly).